The following is an entry in ClinVar:

NM_000368.5(TSC1):c.664-11A>T

Gene: TSC1 (TSC complex subunit 1; minus strand). Cytogenetic location: 9q34.13.
Variant type: single nucleotide variant.
Coding change: c.664-11A>T on transcript NM_000368.5 (MANE Select); 11 bases into the intron before coding-DNA position 664, A replaced by T.
Molecular consequence: intron variant.
Genome position (GRCh38, 1-based): chr9:132,921,447, T>A on the plus strand (A>T on the coding strand, the complement: TSC1 is on the minus strand). VCF-style: chr9-132921447-T-A. GRCh37 (hg19) VCF-style: chr9-135796834-T-A.
Other names: c.301-11A>T (NM_001406620.1, NM_001406618.1, NM_001406625.1 and 10 more transcripts); c.511-11A>T (NM_001406613.1, NM_001406612.1, NM_001406610.1 and 2 more transcripts); c.-215+372A>T (NM_001406627.1, NM_001406628.1, NM_001406626.1); c.-357+372A>T (NM_001406629.1); c.664-11A>T (NM_001406603.1, NM_001406609.1, NM_001406597.1 and 16 more transcripts); c.-430-11A>T (NM_001406630.1).
Identifiers: ClinVar variation 2790501 (VCV002790501.4), dbSNP rs1846550806, ClinGen allele CA2579494383.
Genomic context (GRCh38, chr9:132,921,447, plus strand): 5'-TTGGATCCAGTCACTAATTCCGGATGAATTCGCACATGCTCCATCATTGGCTAGAAGAGT[T>A]GGGTTGACAAATTATAAAGGGCTGAATGTTTGTGGAACATCCAAATGATGGAATATTAGT-3'

ClinVar aggregate classification (germline): Likely benign. Review status: criteria provided, multiple submitters, no conflicts (2 of 4 stars). 2 submissions from 2 submitters: Likely benign (2). Last evaluated 2025-05-19.

Conditions:
Tuberous sclerosis 1 (TSC1). Identifiers: Orphanet 805, MedGen C1854465, MONDO:0008612, OMIM 191100.

Submissions (2):

Labcorp Genetics (formerly Invitae), Labcorp
Classification: Likely benign for Tuberous sclerosis 1. Last evaluated: 2025-05-19. Review status: criteria provided, single submitter. Criteria: Invitae Variant Classification Sherloc (09022015). Collection method: clinical testing. Allele origin: germline.

Myriad Genetics, Inc.
Classification: Likely benign for Tuberous sclerosis 1. Last evaluated: 2025-04-08. Review status: criteria provided, single submitter. Criteria: Myriad Autosomal Dominant, Autosomal Recessive and X-Linked Classification Criteria (2023). Collection method: clinical testing. Allele origin: unknown.
Comment: This variant is considered likely benign. This variant is intronic and is not expected to impact mRNA splicing.